The following is an entry in ClinVar:

ClinVar aggregate classification (germline): Uncertain significance (1 of 4 stars; one submission).

Conditions:
Fanconi anemia (FA). Also called: Fanconi's anemia. Identifiers: Orphanet 84, MedGen C0015625, MeSH D005199, MONDO:0019391.

Allele frequency attached by ClinVar (database versions not stated): ExAC 0.00001; gnomAD 0.00001; TOPMed 0.00001.
gnomAD v4.1: 2 of 1,613,610 alleles (0.00012%); highest among the groups gnomAD compares: African/African-American, 0.0027%; no homozygotes.

Submission:

Labcorp Genetics (formerly Invitae), Labcorp
Classification: Uncertain significance for Fanconi anemia. Last evaluated: 2023-10-17. Review status: criteria provided, single submitter. Criteria: Invitae Variant Classification Sherloc (09022015). Collection method: clinical testing. Allele origin: germline.
Comment: This sequence change falls in intron 2 of the FANCC gene. It does not directly change the encoded amino acid sequence of the FANCC protein. It affects a nucleotide within the consensus splice site. This variant is present in population databases (rs752779041, gnomAD 0.007%). This variant has not been reported in the literature in individuals affected with FANCC-related conditions. Variants that disrupt the consensus splice site are a relatively common cause of aberrant splicing (PMID: 17576681, 9536098). Algorithms developed to predict the effect of sequence changes on RNA splicing suggest that this variant is not likely to affect RNA splicing. In summary, the available evidence is currently insufficient to determine the role of this variant in disease. Therefore, it has been classified as a Variant of Uncertain Significance.

Literature cited by the submitters: PubMed 17576681; PubMed 9536098.

NM_000136.3(FANCC):c.165+5G>T

Gene: FANCC (FA complementation group C; minus strand). Cytogenetic location: 9q22.32.
Variant type: single nucleotide variant.
Coding change: c.165+5G>T on transcript NM_000136.3 (MANE Select); 5 bases into the intron after coding-DNA position 165, G replaced by T.
Molecular consequence: intron variant.
Genome position (GRCh38, 1-based): chr9:95,249,122, C>A on the plus strand (G>T on the coding strand, the complement: FANCC is on the minus strand). VCF-style: chr9-95249122-C-A. GRCh37 (hg19) VCF-style: chr9-98011404-C-A.
Other names: c.165+5G>T (NM_001243743.2, NM_001243744.2).
Identifiers: ClinVar variation 3005475 (VCV003005475.3), dbSNP rs752779041, ClinGen allele CA5137828.